The following is an entry in ClinVar:

ClinVar aggregate classification (germline): Uncertain significance (1 of 4 stars; one submission).

Allele frequency attached by ClinVar (database versions not stated): gnomAD 0.00001 and 0.00003; TOPMed 0.00002.

Submission:

Labcorp Genetics (formerly Invitae), Labcorp
Classification: Uncertain significance. Last evaluated: 2022-08-09. Review status: criteria provided, single submitter. Criteria: Invitae Variant Classification Sherloc (09022015). Collection method: clinical testing. Allele origin: germline.
Comment: This sequence change replaces serine, which is neutral and polar, with asparagine, which is neutral and polar, at codon 90 of the EXTL3 protein (p.Ser90Asn). This variant is present in population databases (rs745551307, gnomAD 0.03%). This variant has not been reported in the literature in individuals affected with EXTL3-related conditions. ClinVar contains an entry for this variant (Variation ID: 1349969). Algorithms developed to predict the effect of missense changes on protein structure and function (SIFT, PolyPhen-2, Align-GVGD) all suggest that this variant is likely to be tolerated. In summary, the available evidence is currently insufficient to determine the role of this variant in disease. Therefore, it has been classified as a Variant of Uncertain Significance.

NM_001440.4(EXTL3):c.269G>A (p.Ser90Asn)

Gene: EXTL3 (exostosin like glycosyltransferase 3; plus strand). Cytogenetic location: 8p21.1.
Variant type: single nucleotide variant.
Coding change: c.269G>A on transcript NM_001440.4 (MANE Select); coding-DNA position 269, G replaced by A.
Protein change: p.Ser90Asn; replaces serine 90 with asparagine.
Molecular consequence: missense variant.
Genome position (GRCh38, 1-based): chr8:28,716,328, G>A. VCF-style: chr8-28716328-G-A. GRCh37 (hg19) VCF-style: chr8-28573845-G-A.
Other names: short protein forms S90N.
Identifiers: ClinVar variation 1349969 (VCV001349969.3), dbSNP rs745551307, ClinGen allele CA4695970.